The following is an entry in ClinVar:

NM_017654.4(SAMD9):c.2327A>T (p.Gln776Leu)

Gene: SAMD9 (sterile alpha motif domain containing 9; minus strand). Cytogenetic location: 7q21.2.
Variant type: single nucleotide variant.
Coding change: c.2327A>T on transcript NM_017654.4 (MANE Select); coding-DNA position 2327, A replaced by T.
Protein change: p.Gln776Leu; replaces glutamine 776 with leucine.
Molecular consequence: missense variant.
Genome position (GRCh38, 1-based): chr7:93,103,771, T>A on the plus strand (A>T on the coding strand, the complement: SAMD9 is on the minus strand). VCF-style: chr7-93103771-T-A. GRCh37 (hg19) VCF-style: chr7-92733084-T-A.
Other names: c.2327A>T, p.Gln776Leu (NM_001193307.2); short protein forms Q776L.
Identifiers: ClinVar variation 4863859 (VCV004863859.1).

ClinVar aggregate classification (germline): Uncertain significance (1 of 4 stars; one submission).

Conditions:
Inborn genetic diseases. Identifiers: MedGen C0950123, MeSH D030342.

Submission:

Ambry Genetics
Classification: Uncertain significance for Inborn genetic diseases. Last evaluated: 2026-05-16. Review status: criteria provided, single submitter. Criteria: Ambry Variant Classification Scheme 2023. Collection method: clinical testing. Allele origin: germline.
Comment: The p.Q776L variant (also known as c.2327A>T), located in coding exon 1 of the SAMD9 gene, results from an A to T substitution at nucleotide position 2327. The glutamine at codon 776 is replaced by leucine, an amino acid with dissimilar properties. This amino acid position is conserved. In addition, the in silico prediction for this alteration is inconclusive. Based on the available evidence, the clinical significance of this variant remains unclear.